The following is an entry in ClinVar:

ClinVar aggregate classification (germline): Uncertain significance (1 of 4 stars; one submission).

Conditions:
Tuberous sclerosis syndrome (TSC). Also called: Tuberous Sclerosis Complex; Tuberous sclerosis. Identifiers: Orphanet 805, MedGen C0041341, MONDO:0001734.

gnomAD v4.1: 1 of 1,613,116 alleles (0.000062%); highest among the groups gnomAD compares: Non-Finnish European, 0.000085%; no homozygotes.

Submission:

Color Diagnostics, LLC DBA Color Health
Classification: Uncertain significance for Tuberous sclerosis syndrome. Last evaluated: 2025-10-12. Review status: criteria provided, single submitter. Criteria: ACMG Guidelines, 2015. Collection method: clinical testing. Allele origin: germline.
Comment: This missense variant replaces lysine with arginine at codon 967 of the TSC2 protein. Computational prediction suggests that this variant may not impact protein structure and function. To our knowledge, functional studies have not been reported for this variant. This variant has not been reported in individuals affected with TSC2-related disorders in the literature. This variant has been identified in 1/1460794 chromosomes in the general population by the Genome Aggregation Database (gnomAD). The available evidence is insufficient to determine the role of this variant in disease conclusively. Therefore, this variant is classified as a Variant of Uncertain Significance.

NM_000548.5(TSC2):c.2900A>G (p.Lys967Arg)

Gene: TSC2 (TSC complex subunit 2; plus strand). Cytogenetic location: 16p13.3.
Variant type: single nucleotide variant.
Coding change: c.2900A>G on transcript NM_000548.5 (MANE Select); coding-DNA position 2900, A replaced by G.
Protein change: p.Lys967Arg; replaces lysine 967 with arginine.
Molecular consequence: missense variant. On other transcripts: intron variant (31).
Genome position (GRCh38, 1-based): chr16:2,077,660, A>G. VCF-style: chr16-2077660-A-G. GRCh37 (hg19) VCF-style: chr16-2127661-A-G.
Other names: c.2900A>G, p.Lys967Arg (NM_001114382.3, NM_001406663.1, NM_001406664.1); c.2789A>G, p.Lys930Arg (NM_001406670.1); c.2753A>G, p.Lys918Arg (NM_001406675.1, NM_001406676.1); c.2300A>G, p.Lys767Arg (NM_001406680.1, NM_001406682.1, NM_001406683.1 and 1 more transcripts); c.1556A>G, p.Lys519Arg (NM_001406689.1); c.1493+1075A>G (NM_001406693.1, NM_001406690.1, NM_001406692.1 and 5 more transcripts); c.2927+1075A>G (NM_001406667.1, NM_001406668.1); c.2237+1075A>G (NM_001406687.1, NM_001406685.1, NM_001318831.2 and 2 more transcripts); and 8 more; short protein forms K519R, K767R, K918R, K930R, K967R.
Identifiers: ClinVar variation 4758127 (VCV004758127.1).